The following is an entry in ClinVar:

ClinVar aggregate classification (germline): Conflicting classifications of pathogenicity. Review status: criteria provided, conflicting classifications (1 of 4 stars). 2 submissions from 2 submitters: Pathogenic (1); Uncertain significance (1). Last evaluated 2024-12-26.

Conditions:
Asphyxiating thoracic dystrophy 3. Also called: SHORT-RIB THORACIC DYSPLASIA 3/6 WITH POLYDACTYLY, DIGENIC; Short rib polydactyly syndrome 2B; SHORT-RIB THORACIC DYSPLASIA 3 WITH OR WITHOUT POLYDACTYLY; Saldino-Noonan Syndrome; POLYDACTYLY WITH NEONATAL CHONDRODYSTROPHY, TYPE I. Identifiers: Orphanet 474, Orphanet 93269, Orphanet 93270, Orphanet 93271, MedGen C0036069, MONDO:0013127, OMIM 613091.

Allele frequency attached by ClinVar (database versions not stated): gnomAD exomes below 0.00001.

Submissions (2):

3billion
Classification: Uncertain significance for Asphyxiating thoracic dystrophy 3. Last evaluated: 2024-12-26. Review status: criteria provided, single submitter. Criteria: ACMG Guidelines, 2015. Collection method: clinical testing. Allele origin: germline. Affected: yes.
Comment: The variant is observed at an extremely low frequency in the gnomAD v4.1.0 dataset (total allele frequency: <0.001%). Predicted Consequence/Location: Start-lost: reinitiation of translation may occur at a downstream alternate start codon but still result in a loss or disruption of normal protein function as there have been pathogenic variants reported upstream of the alternate start codon. The variant has been reported to be associated with DYNC2H1-related disorder (ClinVar ID: VCV001683440). However, the evidence of pathogenicity is insufficient at this time. Therefore, this variant is classified as VUS according to the recommendation of ACMG/AMP guideline.

Laboratory of Inherited Metabolic Diseases, Research centre for medical genetics
Classification: Pathogenic for Asphyxiating thoracic dystrophy 3. Last evaluated: 2022-04-01. Review status: criteria provided, single submitter. Criteria: ACMG Guidelines, 2015. Collection method: clinical testing. Allele origin: inherited. Affected: yes. Observed: 1 variant allele.

NM_001377.3(DYNC2H1):c.2T>C (p.Met1Thr)

Gene: DYNC2H1 (dynein cytoplasmic 2 heavy chain 1; plus strand). Cytogenetic location: 11q22.3.
Variant type: single nucleotide variant.
Coding change: c.2T>C on transcript NM_001377.3 (MANE Select); coding-DNA position 2, T replaced by C.
Protein change: p.Met1Thr; changes the start codon (methionine 1).
Molecular consequence: missense variant, initiator codon variant.
Genome position (GRCh38, 1-based): chr11:103,109,576, T>C. VCF-style: chr11-103109576-T-C. GRCh37 (hg19) VCF-style: chr11-102980305-T-C.
Other names: c.2T>C, p.Met1Thr (NM_001080463.2); short protein forms M1T.
Identifiers: ClinVar variation 1683440 (VCV001683440.4), dbSNP rs2134667452, ClinGen allele CA382240491.